The following is an entry in ClinVar:

ClinVar aggregate classification (germline): Uncertain significance. Review status: criteria provided, multiple submitters, no conflicts (2 of 4 stars). 2 submissions from 2 submitters: Uncertain significance (2). Last evaluated 2022-10-17.

Allele frequency attached by ClinVar (database versions not stated): TOPMed 0.00006; 1000 Genomes Project 0.00020; 1000 Genomes Project 30x 0.00031.
gnomAD v4.1: 26 of 1,613,998 alleles (0.0016%); highest among the groups gnomAD compares: Admixed American, 0.043%; no homozygotes.

Submissions (2):

Labcorp Genetics (formerly Invitae), Labcorp
Classification: Uncertain significance. Last evaluated: 2022-10-17. Review status: criteria provided, single submitter. Criteria: Invitae Variant Classification Sherloc (09022015). Collection method: clinical testing. Allele origin: germline.
Comment: This sequence change replaces glutamic acid, which is acidic and polar, with lysine, which is basic and polar, at codon 184 of the FAM161A protein (p.Glu184Lys). This variant is present in population databases (rs184627338, gnomAD 0.06%). This variant has not been reported in the literature in individuals affected with FAM161A-related conditions. ClinVar contains an entry for this variant (Variation ID: 1345520). Advanced modeling of protein sequence and biophysical properties (such as structural, functional, and spatial information, amino acid conservation, physicochemical variation, residue mobility, and thermodynamic stability) performed at Invitae indicates that this missense variant is not expected to disrupt FAM161A protein function. In summary, the available evidence is currently insufficient to determine the role of this variant in disease. Therefore, it has been classified as a Variant of Uncertain Significance.

Blueprint Genetics
Classification: Uncertain significance. Last evaluated: 2021-12-07. Review status: criteria provided, single submitter. Criteria: ACMG Guidelines, 2015. Collection method: clinical testing. Allele origin: germline.

NM_001201543.2(FAM161A):c.550G>A (p.Glu184Lys)

Gene: FAM161A (FAM161 centrosomal protein A; minus strand). Cytogenetic location: 2p15.
Variant type: single nucleotide variant.
Coding change: c.550G>A on transcript NM_001201543.2 (MANE Select); coding-DNA position 550, G replaced by A.
Protein change: p.Glu184Lys; replaces glutamic acid 184 with lysine.
Molecular consequence: missense variant. On other transcripts: non-coding transcript variant (1).
Genome position (GRCh38, 1-based): chr2:61,840,454, C>T on the plus strand (G>A on the coding strand, the complement: FAM161A is on the minus strand). VCF-style: chr2-61840454-C-T. GRCh37 (hg19) VCF-style: chr2-62067589-C-T.
Other names: c.550G>A, p.Glu184Lys (NM_032180.3); short protein forms E184K.
Identifiers: ClinVar variation 1345520 (VCV001345520.4), dbSNP rs184627338, ClinGen allele CA1679333.